The following is an entry in ClinVar:

ClinVar aggregate classification (germline): Benign. Review status: criteria provided, multiple submitters, no conflicts (2 of 4 stars). 6 submissions from 6 submitters: Benign (6). Last evaluated 2026-02-04.

Conditions:
Combined oxidative phosphorylation defect type 23. Also called: Combined oxidative phosphorylation deficiency 23. Identifiers: Orphanet 444013, MedGen C5567743, MONDO:0014525, OMIM 616198.

Allele frequency attached by ClinVar (database versions not stated): 1000 Genomes Project 0.62360; 1000 Genomes Project 30x 0.62976; gnomAD exomes 0.63904 and 0.69563; ExAC 0.66314; TOPMed 0.70741; gnomAD 0.72702 and 0.73888; ESP Exome Variant Server 0.75688.
gnomAD v4.1: 1,112,854 of 1,593,894 alleles (70%); highest among the groups gnomAD compares: African/African-American, 86%; 397,087 homozygotes.

Submissions (6):

Labcorp Genetics (formerly Invitae), Labcorp
Classification: Benign. Last evaluated: 2026-02-04. Review status: criteria provided, single submitter. Criteria: Invitae Variant Classification Sherloc (09022015). Collection method: clinical testing. Allele origin: germline.

Blueprint Genetics
Classification: Benign. Last evaluated: 2024-11-28. Review status: criteria provided, single submitter. Criteria: ACMG Guidelines, 2015. Collection method: clinical testing. Allele origin: germline.

Mayo Clinic Laboratories, Mayo Clinic
Classification: Benign. Last evaluated: 2022-10-27. Review status: criteria provided, single submitter. Criteria: ACMG Guidelines, 2015. Collection method: clinical testing. Allele origin: germline. Observed: 229 variant alleles.

Genome-Nilou Lab
Classification: Benign for Combined oxidative phosphorylation defect type 23. Last evaluated: 2021-08-10. Review status: criteria provided, single submitter. Criteria: ACMG Guidelines, 2015. Collection method: clinical testing. Allele origin: germline. Affected: no.

GeneDx
Classification: Benign. Last evaluated: 2015-12-02. Review status: criteria provided, single submitter. Criteria: GeneDx Variant Classification (06012015). Collection method: clinical testing. Allele origin: germline. Affected: yes.
Comment: This variant is considered likely benign or benign based on one or more of the following criteria: it is a conservative change, it occurs at a poorly conserved position in the protein, it is predicted to be benign by multiple in silico algorithms, and/or has population frequency not consistent with disease.

Breakthrough Genomics
Classification: Benign. Review status: criteria provided, single submitter. Criteria: ACMG Guidelines, 2015. Collection method: not provided. Allele origin: germline. Inheritance: Autosomal recessive inheritance. Affected: yes.

NM_032620.4(GTPBP3):c.198A>C (p.Thr66=)

Gene: GTPBP3 (GTP binding protein 3, mitochondrial; plus strand). Cytogenetic location: 19p13.11.
Variant type: single nucleotide variant.
Coding change: c.198A>C on transcript NM_032620.4 (MANE Select); coding-DNA position 198, A replaced by C.
Protein change: p.Thr66=; no amino-acid change (threonine 66 retained).
Molecular consequence: synonymous variant.
Genome position (GRCh38, 1-based): chr19:17,338,152, A>C. VCF-style: chr19-17338152-A-C. GRCh37 (hg19) VCF-style: chr19-17448961-A-C.
Other names: p.Thr66=; c.198A>C, p.Thr66= (NM_001128855.3, NM_133644.4); c.264A>C, p.Thr88= (NM_001195422.1).
Identifiers: ClinVar variation 379975 (VCV000379975.15), dbSNP rs1864112, ClinGen allele CA9293254.